The following is an entry in ClinVar:

NM_138713.4(NFAT5):c.1147ACT[1] (p.Thr384del)

Gene: NFAT5 (nuclear factor of activated T cells 5; plus strand). Cytogenetic location: 16q22.1.
Variant type: Microsatellite.
Coding change: c.1147ACT[1] on transcript NM_138713.4 (MANE Select); one copy of the 3-base unit ACT starting at c.1147; the reference has two copies in a row; one copy, 3 bases deleted.
Protein change: p.Thr384del; deletes threonine 384.
Molecular consequence: inframe deletion.
Genome position (GRCh38, 1-based): chr16:69,655,753-69,655,755, ACT deleted; deleting any 3 consecutive bases within chr16:69,655,750-69,655,755 gives the same sequence; the position shown is the placement nearest the transcript's 3' end. VCF-style (leftmost placement, unchanged base first): chr16-69655749-CACT-C. GRCh37 (hg19) VCF-style: chr16-69689652-CACT-C.
Other names: c.1147ACT[1], p.Thr384del (NM_001113178.3); c.475ACT[1], p.Thr160del (NM_001367709.1); c.1093ACT[1], p.Thr366del (NM_006599.4); c.865ACT[1], p.Thr290del (NM_138714.4, NM_173214.3, NM_173215.3); short protein forms T160del, T290del, T366del, T384del.
Identifiers: ClinVar variation 1462753 (VCV001462753.8), dbSNP rs2151636834, ClinGen allele CA2580613898.
Genomic context (GRCh38, chr16:69,655,749, plus strand): 5'-TCAGGCCTGCAGAGTAACTGGACGAAATACAACTCCTTGCAAAGAAGTGGACATTGAAGG[CACT>C]ACTGTTATAGAAGTCGGCCTTGATCCTAGCAACAACATGACACTGGCGTAAGTACTTAGT-3'

ClinVar aggregate classification (germline): Uncertain significance (1 of 4 stars; one submission).

Conditions:
Immunodeficiency. Identifiers: MedGen C0021051, MONDO:0021094, HP:0002721.

Submission:

Labcorp Genetics (formerly Invitae), Labcorp
Classification: Uncertain significance for Immunodeficiency. Last evaluated: 2025-03-31. Review status: criteria provided, single submitter. Criteria: Invitae Variant Classification Sherloc (09022015). Collection method: clinical testing. Allele origin: germline.
Comment: This variant, c.868_870del, results in the deletion of 1 amino acid(s) of the NFAT5 protein (p.Thr290del), but otherwise preserves the integrity of the reading frame. This variant is not present in population databases (gnomAD no frequency). This variant has not been reported in the literature in individuals affected with NFAT5-related conditions. Experimental studies and prediction algorithms are not available or were not evaluated, and the functional significance of this variant is currently unknown. In summary, the available evidence is currently insufficient to determine the role of this variant in disease. Therefore, it has been classified as a Variant of Uncertain Significance.